The following is an entry in ClinVar:

ClinVar aggregate classification (germline): Uncertain significance (1 of 4 stars; one submission).

Conditions:
COG6-congenital disorder of glycosylation. Also called: COG6-ongenital disorder of glycosylation; COG6-CGD; CONGENITAL DISORDER OF GLYCOSYLATION, TYPE IIl; CDG IIl. Identifiers: Orphanet 464443, MedGen C3553230, MONDO:0013810, OMIM 614576.

gnomAD v4.1: 1 of 1,613,738 alleles (0.000062%); highest among the groups gnomAD compares: South Asian, 0.0011%; no homozygotes.

Submission:

Neuberg Centre For Genomic Medicine, NCGM
Classification: Uncertain significance for COG6-congenital disorder of glycosylation. Last evaluated: 2023-05-20. Review status: criteria provided, single submitter. Criteria: ACMG Guidelines, 2015. Collection method: clinical testing. Allele origin: germline. Inheritance: Autosomal recessive inheritance. Affected: yes.
Comment: The missense variant c.1907A>G (p.Asn636Ser) in the COG6 gene has not been reported previously as a pathogenic variant nor as a benign variant, to our knowledge. This variant is absent in the gnomAD Exomes. The amino acid Asparagine at position 636 is changed to a Serine changing protein sequence and it might alter its composition and physico-chemical properties. Multiple lines of computational evidence (Polyphen, SIFT and MutationTaster) predict no damaging effect on protein structure and function for this variant. The amino acid change p.Asn636Ser in COG6 is predicted as conserved by PhyloP across 100 vertebrates. For these reasons, this variant has been classified as Uncertain Significance.

NM_020751.3(COG6):c.1907A>G (p.Asn636Ser)

Gene: COG6 (component of oligomeric golgi complex 6; plus strand). Cytogenetic location: 13q14.11.
Variant type: single nucleotide variant.
Coding change: c.1907A>G on transcript NM_020751.3 (MANE Select); coding-DNA position 1907, A replaced by G.
Protein change: p.Asn636Ser; replaces asparagine 636 with serine.
Molecular consequence: missense variant. On other transcripts: non-coding transcript variant (1), intron variant (1).
Genome position (GRCh38, 1-based): chr13:39,751,026, A>G. VCF-style: chr13-39751026-A-G. GRCh37 (hg19) VCF-style: chr13-40325163-A-G.
Other names: c.1826+23478A>G (NM_001145079.2); short protein forms N636S.
Identifiers: ClinVar variation 3362358 (VCV003362358.3).
Genomic context (GRCh38, chr13:39,751,026, plus strand): 5'-CTACAGAATTAGTCTGCAGAGCCTATGGTGAAGTGTATGCAGCCGTGATGAATCCAATCA[A>G]TGAATACAAAGATCCAGAGAACATTCTTCACCGATCGCCGCAGCAAGTGCAGACGCTTCT-3'
Protein context (NP_065802.1, residues 626-646): EVYAAVMNPI[Asn636Ser]EYKDPENILH